The following is an entry in ClinVar:

NM_016333.4(SRRM2):c.4046C>T (p.Ser1349Phe)

Gene: SRRM2 (serine/arginine repetitive matrix 2; plus strand). Cytogenetic location: 16p13.3.
Variant type: single nucleotide variant.
Coding change: c.4046C>T on transcript NM_016333.4 (MANE Select); coding-DNA position 4046, C replaced by T.
Protein change: p.Ser1349Phe; replaces serine 1349 with phenylalanine.
Molecular consequence: missense variant.
Genome position (GRCh38, 1-based): chr16:2,764,574, C>T. VCF-style: chr16-2764574-C-T. GRCh37 (hg19) VCF-style: chr16-2814575-C-T.
Other names: short protein forms S1349F.
Identifiers: ClinVar variation 3049778 (VCV003049778.6), dbSNP rs145200443, ClinGen allele CA7848068.

ClinVar aggregate classification (germline): Likely benign. Review status: criteria provided, single submitter (1 of 4 stars). 2 submissions from 2 submitters: Likely benign (1). 1 of the submissions does not count toward it. Last evaluated 2026-04-01.

Conditions:
SRRM2-related disorder. Also called: SRRM2-related condition.

Allele frequency attached by ClinVar (database versions not stated): ESP Exome Variant Server 0.00092.

Submissions (2):

CeGaT Center for Human Genetics Tuebingen
Classification: Likely benign. Last evaluated: 2026-04-01. Review status: criteria provided, single submitter. Criteria: CeGaT Center For Human Genetics Tuebingen Variant Classification Criteria Version 2. Collection method: clinical testing. Allele origin: germline. Affected: yes. Observed: 3 variant alleles.
Comment: SRRM2: BP4, BS1

PreventionGenetics, part of Exact Sciences
Classification: Likely benign for SRRM2-related condition. Last evaluated: 2022-08-25. Review status: no assertion criteria provided. Collection method: clinical testing. Allele origin: germline. Not counted in ClinVar's aggregate classification.
Comment: This variant is classified as likely benign based on ACMG/AMP sequence variant interpretation guidelines (Richards et al. 2015 PMID: 25741868, with internal and published modifications).